The following is an entry in ClinVar:

NM_020549.5(CHAT):c.2059G>C (p.Glu687Gln)

Gene: CHAT (choline O-acetyltransferase; plus strand). Cytogenetic location: 10q11.23.
Variant type: single nucleotide variant.
Coding change: c.2059G>C on transcript NM_020549.5 (MANE Select); coding-DNA position 2059, G replaced by C.
Protein change: p.Glu687Gln; replaces glutamic acid 687 with glutamine.
Molecular consequence: missense variant.
Genome position (GRCh38, 1-based): chr10:49,664,858, G>C. VCF-style: chr10-49664858-G-C. GRCh37 (hg19) VCF-style: chr10-50872904-G-C.
Other names: c.1705G>C, p.Glu569Gln (NM_001142929.2, NM_001142934.2, NM_020984.4 and 2 more transcripts); c.1813G>C, p.Glu605Gln (NM_001142933.2); short protein forms E569Q, E605Q, E687Q.
Identifiers: ClinVar variation 1715413 (VCV001715413.5), dbSNP rs1840303812, ClinGen allele CA376713720.
Genomic context (GRCh38, chr10:49,664,858, plus strand): 5'-TTCTGCTGCTATGGTCCTGTGGTCCCAAATGGGTATGGTGCCTGCTACAACCCCCAGCCA[G>C]AGACCATCCTTTTCTGCATCTCTAGCTTTCACAGCTGCAAAGAGACTTCTTCTAGCAAGT-3'
Protein context (NP_065574.4, residues 677-697): GYGACYNPQP[Glu687Gln]TILFCISSFH

ClinVar aggregate classification (germline): Uncertain significance (1 of 4 stars; one submission).

Conditions:
Familial infantile myasthenia (CMS6). Also called: MYASTHENIC SYNDROME, CONGENITAL, 6, PRESYNAPTIC; MYASTHENIC SYNDROME, PRESYNAPTIC, CONGENITAL, ASSOCIATED WITH EPISODIC APNEA; Congenital myasthenic syndrome type 6. Identifiers: Orphanet 590, MedGen C0393929, MONDO:0009689, OMIM 254210.

Allele frequency attached by ClinVar (database versions not stated): gnomAD exomes below 0.00001.
gnomAD v4.1: 3 of 1,614,086 alleles (0.00019%); highest among the groups gnomAD compares: African/African-American, 0.0027%; no homozygotes.

Submission:

Labcorp Genetics (formerly Invitae), Labcorp
Classification: Uncertain significance for Familial infantile myasthenia. Last evaluated: 2022-08-08. Review status: criteria provided, single submitter. Criteria: Invitae Variant Classification Sherloc (09022015). Collection method: clinical testing. Allele origin: germline.
Comment: This variant has not been reported in the literature in individuals affected with CHAT-related conditions. Advanced modeling of protein sequence and biophysical properties (such as structural, functional, and spatial information, amino acid conservation, physicochemical variation, residue mobility, and thermodynamic stability) performed at Invitae indicates that this missense variant is not expected to disrupt CHAT protein function. This variant is not present in population databases (gnomAD no frequency). This sequence change replaces glutamic acid, which is acidic and polar, with glutamine, which is neutral and polar, at codon 687 of the CHAT protein (p.Glu687Gln). In summary, the available evidence is currently insufficient to determine the role of this variant in disease. Therefore, it has been classified as a Variant of Uncertain Significance. Algorithms developed to predict the effect of sequence changes on RNA splicing suggest that this variant may create or strengthen a splice site.